The following is an entry in ClinVar:

ClinVar aggregate classification (germline): Uncertain significance. Review status: criteria provided, multiple submitters, no conflicts (2 of 4 stars). 2 submissions from 2 submitters: Uncertain significance (2). Last evaluated 2023-07-29.

Conditions:
Hereditary cancer-predisposing syndrome. Also called: Neoplastic Syndromes, Hereditary; Tumor predisposition; Hereditary neoplastic syndrome; Hereditary Cancer Syndrome. Identifiers: Orphanet 140162, MedGen C0027672, MeSH D009386, MONDO:0015356.
Familial cancer of breast. Also called: BREAST CANCER, FAMILIAL; Hereditary breast cancer; hereditary breast carcinoma. Identifiers: Orphanet 227535, MedGen C0346153, MONDO:0016419, OMIM 114480. Disease mechanism: loss of function.

Allele frequency attached by ClinVar (database versions not stated): gnomAD exomes below 0.00001.
gnomAD v4.1: 1 of 1,613,762 alleles (0.000062%); highest among the groups gnomAD compares: South Asian, 0.0011%; no homozygotes.

Submissions (2):

Labcorp Genetics (formerly Invitae), Labcorp
Classification: Uncertain significance for Familial cancer of breast. Last evaluated: 2023-07-29. Review status: criteria provided, single submitter. Criteria: Invitae Variant Classification Sherloc (09022015). Collection method: clinical testing. Allele origin: germline.
Comment: This sequence change replaces glycine, which is neutral and non-polar, with serine, which is neutral and polar, at codon 1121 of the PALB2 protein (p.Gly1121Ser). This variant is not present in population databases (gnomAD no frequency). This variant has not been reported in the literature in individuals affected with PALB2-related conditions. ClinVar contains an entry for this variant (Variation ID: 823663). An algorithm developed to predict the effect of missense changes on protein structure and function (PolyPhen-2) suggests that this variant is likely to be disruptive. In summary, the available evidence is currently insufficient to determine the role of this variant in disease. Therefore, it has been classified as a Variant of Uncertain Significance.

Ambry Genetics
Classification: Uncertain significance for Hereditary cancer-predisposing syndrome. Last evaluated: 2020-03-18. Review status: criteria provided, single submitter. Criteria: Ambry Variant Classification Scheme 2023. Collection method: clinical testing. Allele origin: germline.
Comment: The p.G1121S variant (also known as c.3361G>A), located in coding exon 13 of the PALB2 gene, results from a G to A substitution at nucleotide position 3361. The glycine at codon 1121 is replaced by serine, an amino acid with similar properties. This amino acid position is highly conserved in available vertebrate species. In addition, the in silico prediction for this alteration is inconclusive. Since supporting evidence is limited at this time, the clinical significance of this alteration remains unclear.

NM_024675.4(PALB2):c.3361G>A (p.Gly1121Ser)

Gene: PALB2 (partner and localizer of BRCA2; minus strand). Cytogenetic location: 16p12.2.
Variant type: single nucleotide variant.
Coding change: c.3361G>A on transcript NM_024675.4 (MANE Select); coding-DNA position 3361, G replaced by A.
Protein change: p.Gly1121Ser; replaces glycine 1121 with serine.
Molecular consequence: missense variant.
Genome position (GRCh38, 1-based): chr16:23,603,659, C>T on the plus strand (G>A on the coding strand, the complement: PALB2 is on the minus strand). VCF-style: chr16-23603659-C-T. GRCh37 (hg19) VCF-style: chr16-23614980-C-T.
Other names: short protein forms G1121S.
Identifiers: ClinVar variation 823663 (VCV000823663.7), dbSNP rs1597062387, ClinGen allele CA395138385.
Genomic context (GRCh38, chr16:23,603,659, plus strand): 5'-CCCAAATGGCAATTGTTCCAGAAGTCAAGATTGCTGCTGCACAGTGATCTTTCACGTCAC[C>T]TTCCAGGAACCTGATAGCATACAAAGAAGATATAATTCAGATTACATATCCAAAAAACAA-3'
Protein context (NP_078951.2, residues 1111-1131): PPGQAGRFLE[Gly1121Ser]DVKDHCAAAI